The following is an entry in ClinVar:

ClinVar aggregate classification (germline): Uncertain significance. Review status: criteria provided, multiple submitters, no conflicts (2 of 4 stars). 2 submissions from 2 submitters: Uncertain significance (2). Last evaluated 2025-06-12.

Conditions:
Autosomal dominant Alport syndrome (ATS3A). Also called: ALPORT SYNDROME 3A, AUTOSOMAL DOMINANT; Alport syndrome dominant type; Renal failure and sensorineural hearing loss. Identifiers: Orphanet 63, Orphanet 88918, MedGen C5882663, MONDO:0007086, OMIM 104200.
Autosomal recessive Alport syndrome (ATS2). Also called: Alport syndrome type 2; COL4A3-Related Nephropathy; ALPORT SYNDROME 2, AUTOSOMAL RECESSIVE; COL4A4 Alport Syndrome and Thin Basement Membrane Nephropathy. Identifiers: Orphanet 63, Orphanet 88919, MedGen C4746745, MONDO:0008762, OMIM 203780.
Benign familial hematuria. Also called: thin basement membrane disease. Identifiers: MedGen C0241908, MONDO:0957317.

Submissions (2):

Labcorp Genetics (formerly Invitae), Labcorp
Classification: Uncertain significance. Last evaluated: 2025-06-12. Review status: criteria provided, single submitter. Criteria: Invitae Variant Classification Sherloc (09022015). Collection method: clinical testing. Allele origin: germline.
Comment: This sequence change replaces serine, which is neutral and polar, with tyrosine, which is neutral and polar, at codon 678 of the COL4A3 protein (p.Ser678Tyr). This variant is not present in population databases (gnomAD no frequency). This variant has not been reported in the literature in individuals affected with COL4A3-related conditions. ClinVar contains an entry for this variant (Variation ID: 1482636). Invitae Evidence Modeling of protein sequence and biophysical properties (such as structural, functional, and spatial information, amino acid conservation, physicochemical variation, residue mobility, and thermodynamic stability) indicates that this missense variant is not expected to disrupt COL4A3 protein function with a negative predictive value of 95%. In summary, the available evidence is currently insufficient to determine the role of this variant in disease. Therefore, it has been classified as a Variant of Uncertain Significance.

Fulgent Genetics
Classification: Uncertain significance for Autosomal dominant Alport syndrome; Hematuria, benign familial, 1; Autosomal recessive Alport syndrome. Last evaluated: 2021-12-21. Review status: criteria provided, single submitter. Criteria: ACMG Guidelines, 2015. Collection method: clinical testing. Allele origin: unknown.

NM_000091.5(COL4A3):c.2033C>A (p.Ser678Tyr)

Genes: COL4A3 (collagen type IV alpha 3 chain; plus strand), MFF-DT (MFF divergent transcript; minus strand). Cytogenetic location: 2q36.3.
Variant type: single nucleotide variant.
Coding change: c.2033C>A on transcript NM_000091.5 (MANE Select); coding-DNA position 2033, C replaced by A.
Protein change: p.Ser678Tyr; replaces serine 678 with tyrosine.
Molecular consequence: missense variant.
Genome position (GRCh38, 1-based): chr2:227,277,461, C>A. VCF-style: chr2-227277461-C-A. GRCh37 (hg19) VCF-style: chr2-228142177-C-A.
Other names: short protein forms S678Y.
Identifiers: ClinVar variation 1482636 (VCV001482636.9), dbSNP rs1354756195, ClinGen allele CA350846666.
Genomic context (GRCh38, chr2:227,277,461, plus strand): 5'-GAAGGAAAGTTGCTGATGTGGAGATGCATATGTGTATTTGTTTCTAAGGTATCCCTGGAT[C>A]CCTGGGGAAATGTGGAGATCCTGGTCTTCCAGGGCCTGATGGTGAACCAGGAATTCCAGG-3'
Protein context (NP_000082.2, residues 668-688): GPQGPPGIPG[Ser678Tyr]LGKCGDPGLP